The following is an entry in ClinVar:

NM_001166108.2(PALLD):c.1549G>A (p.Gly517Arg)

Gene: PALLD (palladin, cytoskeletal associated protein; plus strand). Cytogenetic location: 4q32.3.
Variant type: single nucleotide variant.
Coding change: c.1549G>A on transcript NM_001166108.2 (MANE Select); coding-DNA position 1549, G replaced by A.
Protein change: p.Gly517Arg; replaces glycine 517 with arginine.
Molecular consequence: missense variant.
Genome position (GRCh38, 1-based): chr4:168,709,075, G>A. VCF-style: chr4-168709075-G-A. GRCh37 (hg19) VCF-style: chr4-169630226-G-A.
Other names: c.403G>A, p.Gly135Arg (NM_001166109.2); c.1549G>A, p.Gly517Arg (NM_016081.4); short protein forms G135R, G517R.
Identifiers: ClinVar variation 1774997 (VCV001774997.2), dbSNP rs2531818682, ClinGen allele CA358797456.

ClinVar aggregate classification (germline): Uncertain significance (1 of 4 stars; one submission).

Allele frequency attached by ClinVar (database versions not stated): gnomAD exomes below 0.00001.
gnomAD v4.1: 2 of 1,613,074 alleles (0.00012%); highest among the groups gnomAD compares: Non-Finnish European, 0.00017%; no homozygotes.

Submission:

Ambry Genetics
Classification: Uncertain significance. Last evaluated: 2022-09-11. Review status: criteria provided, single submitter. Criteria: Ambry Variant Classification Scheme 2023. Collection method: clinical testing. Allele origin: germline.
Comment: The p.G517R variant (also known as c.1549G>A), located in coding exon 8 of the PALLD gene, results from a G to A substitution at nucleotide position 1549. The glycine at codon 517 is replaced by arginine, an amino acid with dissimilar properties. This amino acid position is conserved. In addition, this alteration is predicted to be deleterious by in silico analysis. Since supporting evidence is limited at this time, the clinical significance of this alteration remains unclear.